The following is an entry in ClinVar:

ClinVar aggregate classification (germline): Uncertain significance (1 of 4 stars; one submission).

gnomAD v4.1: 1 of 1,613,012 alleles (0.000062%); highest among the groups gnomAD compares: African/African-American, 0.0013%; no homozygotes.

Submission:

Labcorp Genetics (formerly Invitae), Labcorp
Classification: Uncertain significance. Last evaluated: 2024-04-17. Review status: criteria provided, single submitter. Criteria: Invitae Variant Classification Sherloc (09022015). Collection method: clinical testing. Allele origin: germline.
Comment: This sequence change replaces histidine, which is basic and polar, with proline, which is neutral and non-polar, at codon 884 of the FOCAD protein (p.His884Pro). This variant is not present in population databases (gnomAD no frequency). This variant has not been reported in the literature in individuals affected with FOCAD-related conditions. Experimental studies and prediction algorithms are not available or were not evaluated, and the functional significance of this variant is currently unknown. In summary, the available evidence is currently insufficient to determine the role of this variant in disease. Therefore, it has been classified as a Variant of Uncertain Significance.

NM_001375567.1(FOCAD):c.2651A>C (p.His884Pro)

Gene: FOCAD (focadhesin; plus strand). Cytogenetic location: 9p21.3.
Variant type: single nucleotide variant.
Coding change: c.2651A>C on transcript NM_001375567.1 (MANE Select); coding-DNA position 2651, A replaced by C.
Protein change: p.His884Pro; replaces histidine 884 with proline.
Molecular consequence: missense variant.
Genome position (GRCh38, 1-based): chr9:20,907,175, A>C. VCF-style: chr9-20907175-A-C. GRCh37 (hg19) VCF-style: chr9-20907174-A-C.
Other names: c.2546A>C, p.His849Pro (NM_001375568.1, NM_001375570.1); c.2651A>C, p.His884Pro (NM_017794.5); short protein forms H849P, H884P.
Identifiers: ClinVar variation 3650164 (VCV003650164.2).
Genomic context (GRCh38, chr9:20,907,175, plus strand): 5'-GTAGCCTAATATGTTGTGGTACATTTTTCCCATAGGTTCATATCCAGCTTTCAGAGTGGC[A>C]CCGTGCAATTTTTCTTCCACAGGCCTGGCTTGCATACATGAATCGAGCTTATCATGCCAT-3'
Protein context (NP_001362496.1, residues 874-894): HEVHIQLSEW[His884Pro]RAIFLPQAWL